The following is an entry in ClinVar:

NC_000003.11:g.(?_158399764)_(158409256_?)dup

Gene: GFM1 (G elongation factor mitochondrial 1; plus strand). Cytogenetic location: 3q25.32.
Variant type: Duplication.
Identifiers: ClinVar variation 2426908 (VCV002426908.3).

ClinVar aggregate classification (germline): Uncertain significance (1 of 4 stars; one submission).

Submission:

Labcorp Genetics (formerly Invitae), Labcorp
Classification: Uncertain significance. Last evaluated: 2021-12-02. Review status: criteria provided, single submitter. Criteria: Invitae Variant Classification Sherloc (09022015). Collection method: clinical testing. Allele origin: germline.
Comment: This variant results in a copy number gain of the genomic region encompassing exon(s) 14-18 of the GFM1 gene. This region includes the termination codon of the gene. This copy number gain extends beyond the assayed region for this gene and therefore may encompass additional genes. As the precise location of this event is unknown, it may be in tandem or it may be located elsewhere in the genome. A similar copy number variant has been observed in individual(s) with West syndrome (PMID: 31680380). Experimental studies and prediction algorithms are not available or were not evaluated, and the functional significance of this variant is currently unknown. In summary, the available evidence is currently insufficient to determine the role of this variant in disease. Therefore, it has been classified as a Variant of Uncertain Significance.

Literature cited by the submitters: PubMed 31680380.